The following is an entry in ClinVar:

ClinVar aggregate classification (germline): Conflicting classifications of pathogenicity. Review status: criteria provided, conflicting classifications (1 of 4 stars). 5 submissions from 5 submitters: Uncertain significance (2); Likely benign (2). 1 of the submissions does not count toward it. Last evaluated 2024-12-23.

Conditions:
Cardiomyopathy (CMYO). Also called: Cardiomyopathies. Identifiers: Orphanet 167848, MedGen C0878544, MONDO:0004994, HP:0001638. Inheritance: Various modes of inheritance.
Hypertrophic cardiomyopathy 10. Also called: CARDIOMYOPATHY, HYPERTROPHIC, MID-LEFT VENTRICULAR CHAMBER TYPE, 2; MYL2-Related Familial Hypertrophic Cardiomyopathy. Identifiers: MedGen C1834460, MONDO:0012112, OMIM 608758.
MYL2-related disorder. Also called: MYL2-related condition; MYL2-related disease; MYL2-related disorders.
Cardiovascular phenotype. Identifiers: MedGen CN230736.

Allele frequency attached by ClinVar (database versions not stated): ExAC 0.00001; gnomAD 0.00001; gnomAD exomes 0.00001; TOPMed 0.00001.
gnomAD v4.1: 18 of 1,614,100 alleles (0.0011%); highest among the groups gnomAD compares: Admixed American, 0.0033%; no homozygotes.

Submissions (5):

Ambry Genetics
Classification: Likely benign for Cardiovascular phenotype. Last evaluated: 2024-12-23. Review status: criteria provided, single submitter. Criteria: Ambry Variant Classification Scheme 2023. Collection method: clinical testing. Allele origin: germline.

Labcorp Genetics (formerly Invitae), Labcorp
Classification: Uncertain significance for Hypertrophic cardiomyopathy 10. Last evaluated: 2024-05-22. Review status: criteria provided, single submitter. Criteria: Invitae Variant Classification Sherloc (09022015). Collection method: clinical testing. Allele origin: germline.
Comment: This sequence change affects codon 118 of the MYL2 mRNA. It is a 'silent' change, meaning that it does not change the encoded amino acid sequence of the MYL2 protein. It affects a nucleotide within the consensus splice site. This variant is present in population databases (rs750193844, gnomAD 0.006%). This variant has not been reported in the literature in individuals affected with MYL2-related conditions. ClinVar contains an entry for this variant (Variation ID: 880755). Algorithms developed to predict the effect of sequence changes on RNA splicing suggest that this variant is not likely to affect RNA splicing. In summary, the available evidence is currently insufficient to determine the role of this variant in disease. Therefore, it has been classified as a Variant of Uncertain Significance.

Color Diagnostics, LLC DBA Color Health
Classification: Likely benign for Cardiomyopathy. Last evaluated: 2022-11-06. Review status: criteria provided, single submitter. Criteria: ACMG Guidelines, 2015. Collection method: clinical testing. Allele origin: germline.

Illumina Laboratory Services, Illumina
Classification: Uncertain significance for Hypertrophic cardiomyopathy 10. Last evaluated: 2018-01-12. Review status: criteria provided, single submitter. Criteria: ICSL Variant Classification Criteria 13 December 2019. Collection method: clinical testing. Allele origin: germline.

PreventionGenetics, part of Exact Sciences
Classification: Likely benign for MYL2-related condition. Last evaluated: 2019-06-07. Review status: no assertion criteria provided. Collection method: clinical testing. Allele origin: germline. Not counted in ClinVar's aggregate classification.
Comment: This variant is classified as likely benign based on ACMG/AMP sequence variant interpretation guidelines (Richards et al. 2015 PMID: 25741868, with internal and published modifications).

NM_000432.4(MYL2):c.354C>T (p.Tyr118=)

Gene: MYL2 (myosin light chain 2; minus strand). Cytogenetic location: 12q24.11.
Variant type: single nucleotide variant.
Coding change: c.354C>T on transcript NM_000432.4 (MANE Select); coding-DNA position 354, C replaced by T.
Protein change: p.Tyr118=; no amino-acid change (tyrosine 118 retained).
Molecular consequence: synonymous variant.
Genome position (GRCh38, 1-based): chr12:110,913,144, G>A on the plus strand (C>T on the coding strand, the complement: MYL2 is on the minus strand). VCF-style: chr12-110913144-G-A. GRCh37 (hg19) VCF-style: chr12-111350948-G-A.
Identifiers: ClinVar variation 880755 (VCV000880755.13), dbSNP rs750193844, ClinGen allele CA042183.